The following is an entry in ClinVar:

NM_014727.3(KMT2B):c.180G>T (p.Glu60Asp)

Genes: KMT2B (lysine methyltransferase 2B; plus strand), LOC130064258 (ATAC-STARR-seq lymphoblastoid silent region 10535; plus strand). Cytogenetic location: 19q13.12.
Variant type: single nucleotide variant.
Coding change: c.180G>T on transcript NM_014727.3 (MANE Select); coding-DNA position 180, G replaced by T.
Protein change: p.Glu60Asp; replaces glutamic acid 60 with aspartic acid.
Molecular consequence: missense variant.
Genome position (GRCh38, 1-based): chr19:35,718,198, G>T. VCF-style: chr19-35718198-G-T. GRCh37 (hg19) VCF-style: chr19-36209100-G-T.
Other names: short protein forms E60D.
Identifiers: ClinVar variation 3359678 (VCV003359678.1).

ClinVar aggregate classification (germline): Uncertain significance (1 of 4 stars; one submission).

Submission:

GeneDx
Classification: Uncertain significance. Last evaluated: 2023-06-15. Review status: criteria provided, single submitter. Criteria: GeneDx Variant Classification Process June 2021. Collection method: clinical testing. Allele origin: germline. Affected: yes.
Comment: Not observed at significant frequency in large population cohorts (gnomAD); In silico analysis supports that this missense variant does not alter protein structure/function; Has not been previously published as pathogenic or benign to our knowledge